The following is an entry in ClinVar:

NM_006180.6(NTRK2):c.1721A>C (p.Tyr574Ser)

Gene: NTRK2 (neurotrophic receptor tyrosine kinase 2; plus strand). Cytogenetic location: 9q21.33.
Variant type: single nucleotide variant.
Coding change: c.1721A>C on transcript NM_006180.6 (MANE Select); coding-DNA position 1721, A replaced by C.
Protein change: p.Tyr574Ser; replaces tyrosine 574 with serine.
Molecular consequence: missense variant.
Genome position (GRCh38, 1-based): chr9:84,934,249, A>C. VCF-style: chr9-84934249-A-C. GRCh37 (hg19) VCF-style: chr9-87549164-A-C.
Other names: c.1673A>C, p.Tyr558Ser (NM_001018064.3, NM_001369532.1, NM_001369533.1); c.1637A>C, p.Tyr546Ser (NM_001369534.1); c.1205A>C, p.Tyr402Ser (NM_001369535.1); c.1253A>C, p.Tyr418Ser (NM_001369536.1); c.1721A>C, p.Tyr574Ser (NM_001381928.1); short protein forms Y546S, Y574S, Y402S, Y558S, Y418S.
Identifiers: ClinVar variation 2044853 (VCV002044853.4), dbSNP rs201539451, ClinGen allele CA195812928.

ClinVar aggregate classification (germline): Uncertain significance (1 of 4 stars; one submission).

Submission:

Labcorp Genetics (formerly Invitae), Labcorp
Classification: Uncertain significance. Last evaluated: 2022-09-09. Review status: criteria provided, single submitter. Criteria: Invitae Variant Classification Sherloc (09022015). Collection method: clinical testing. Allele origin: germline.
Comment: This variant has not been reported in the literature in individuals affected with NTRK2-related conditions. This sequence change replaces tyrosine, which is neutral and polar, with serine, which is neutral and polar, at codon 574 of the NTRK2 protein (p.Tyr574Ser). This variant is not present in population databases (gnomAD no frequency). Advanced modeling of protein sequence and biophysical properties (such as structural, functional, and spatial information, amino acid conservation, physicochemical variation, residue mobility, and thermodynamic stability) performed at Invitae indicates that this missense variant is not expected to disrupt NTRK2 protein function. In summary, the available evidence is currently insufficient to determine the role of this variant in disease. Therefore, it has been classified as a Variant of Uncertain Significance.